The following is an entry in ClinVar:

NM_005876.5(SPEG):c.6245G>A (p.Gly2082Asp)

Genes: ASIC4-AS1 (ASIC4 antisense RNA 1; minus strand), SPEG (striated muscle enriched protein kinase; plus strand). Cytogenetic location: 2q35.
Variant type: single nucleotide variant.
Coding change: c.6245G>A on transcript NM_005876.5 (MANE Select); coding-DNA position 6245, G replaced by A.
Protein change: p.Gly2082Asp; replaces glycine 2082 with aspartic acid.
Molecular consequence: missense variant.
Genome position (GRCh38, 1-based): chr2:219,483,708, G>A. VCF-style: chr2-219483708-G-A. GRCh37 (hg19) VCF-style: chr2-220348430-G-A.
Other names: short protein forms G2082D.
Identifiers: ClinVar variation 4770511 (VCV004770511.1).

ClinVar aggregate classification (germline): Uncertain significance (1 of 4 stars; one submission).

Submission:

Labcorp Genetics (formerly Invitae), Labcorp
Classification: Uncertain significance. Last evaluated: 2025-06-30. Review status: criteria provided, single submitter. Criteria: Invitae Variant Classification Sherloc (09022015). Collection method: clinical testing. Allele origin: germline.
Comment: This sequence change replaces glycine, which is neutral and non-polar, with aspartic acid, which is acidic and polar, at codon 2082 of the SPEG protein (p.Gly2082Asp). This variant is not present in population databases (gnomAD no frequency). This variant has not been reported in the literature in individuals affected with SPEG-related conditions. An algorithm developed to predict the effect of missense changes on protein structure and function (PolyPhen-2) suggests that this variant is likely to be tolerated. In summary, the available evidence is currently insufficient to determine the role of this variant in disease. Therefore, it has been classified as a Variant of Uncertain Significance.